The following is an entry in ClinVar:

NM_181675.3(PPP2R2B):c.40_57dup18

Genes: PPP2R2B (protein phosphatase 2 regulatory subunit Bbeta; minus strand), LOC108660405 (protein phosphatase 2 regulatory subunit Bbeta repeat instability region; plus strand). Cytogenetic location: 5q32.
Variant type: Microsatellite.
Coding change: c.40_57dup18 on transcript NM_181675.3; coding-DNA positions 40 to 57, 18 bases duplicated (AGCAGCAGCAGCAGCAGC).
Molecular consequence: intron variant (on NM_001271900.2).
Genome position (GRCh38, 1-based): chr5:146,878,728-146,878,745, GCTGCTGCTGCTGCTGCT duplicated on the plus strand (AGCAGCAGCAGCAGCAGC on the coding strand, the reverse complement: PPP2R2B is on the minus strand); duplicating any 18 consecutive bases within chr5:146,878,728-146,878,759 gives the same sequence; the c. name uses the placement nearest the transcript's 3' end. VCF-style (leftmost placement, unchanged base first): chr5-146878727-A-AGCTGCTGCTGCTGCTGCT. GRCh37 (hg19) VCF-style: chr5-146258290-A-AGCTGCTGCTGCTGCTGCT.
Other names: c.51-562AGC[16] (NM_001271900.2); c.79+176908AGC[16] (NM_181676.3); c.75-562AGC[16] (NM_181674.3); c.89-177615AGC[16] (NM_001271899.1); c.-48-22174AGC[16] (NM_181678.2); c.10+156412AGC[16] (NM_181677.2).
Identifiers: ClinVar variation 3059028 (VCV003059028.2), dbSNP rs10591869, ClinGen allele CA447007013.

ClinVar aggregate classification (germline): Benign (0 of 4 stars; one submission).

Conditions:
PPP2R2B-related disorder. Also called: PPP2R2B-related condition.

Submission:

PreventionGenetics, part of Exact Sciences
Classification: Benign for PPP2R2B-related condition. Last evaluated: 2022-02-04. Review status: no assertion criteria provided. Collection method: clinical testing. Allele origin: germline.
Comment: This variant is classified as benign based on ACMG/AMP sequence variant interpretation guidelines (Richards et al. 2015 PMID: 25741868, with internal and published modifications).